The following is an entry in ClinVar:

NM_001378454.1(ALMS1):c.5045G>C (p.Ser1682Thr)

Gene: ALMS1 (ALMS1 centrosome and basal body associated protein; plus strand). Cytogenetic location: 2p13.1.
Variant type: single nucleotide variant.
Coding change: c.5045G>C on transcript NM_001378454.1 (MANE Select); coding-DNA position 5045, G replaced by C.
Protein change: p.Ser1682Thr; replaces serine 1682 with threonine.
Molecular consequence: missense variant.
Genome position (GRCh38, 1-based): chr2:73,451,572, G>C. VCF-style: chr2-73451572-G-C. GRCh37 (hg19) VCF-style: chr2-73678699-G-C.
Other names: c.5048G>C, p.Ser1683Thr (NM_015120.4); short protein forms S1683T, S1682T.
Identifiers: ClinVar variation 2016356 (VCV002016356.4), dbSNP rs2466103692, ClinGen allele CA347279801.
Genomic context (GRCh38, chr2:73,451,572, plus strand): 5'-CTACTAGCTACTCAAATAGGGGGAAGCCTGTCATTTTCTACCAGCAGACCCTATCAGACA[G>C]TCATTTACCTGAAGAAGCTCTGAAAGTTCCACCTGTTCCTGGACCAGATGCCCAGAAGAC-3'
Protein context (NP_001365383.1, residues 1672-1692): VIFYQQTLSD[Ser1682Thr]HLPEEALKVP

ClinVar aggregate classification (germline): Uncertain significance (1 of 4 stars; one submission).

Conditions:
Alstrom syndrome (ALMS). Identifiers: Orphanet 64, MedGen C0268425, MONDO:0008763, OMIM 203800.

Submission:

Labcorp Genetics (formerly Invitae), Labcorp
Classification: Uncertain significance for Alstrom syndrome. Last evaluated: 2022-07-12. Review status: criteria provided, single submitter. Criteria: Invitae Variant Classification Sherloc (09022015). Collection method: clinical testing. Allele origin: germline.
Comment: This sequence change replaces serine, which is neutral and polar, with threonine, which is neutral and polar, at codon 1683 of the ALMS1 protein (p.Ser1683Thr). This variant is not present in population databases (gnomAD no frequency). This variant has not been reported in the literature in individuals affected with ALMS1-related conditions. Experimental studies and prediction algorithms are not available or were not evaluated, and the functional significance of this variant is currently unknown. In summary, the available evidence is currently insufficient to determine the role of this variant in disease. Therefore, it has been classified as a Variant of Uncertain Significance.